The following is an entry in ClinVar:

ClinVar aggregate classification (germline): Uncertain significance (1 of 4 stars; one submission).

Conditions:
IQGAP1-related disorder. Also called: IQGAP1-related condition.

Submission:

PreventionGenetics, part of Exact Sciences
Classification: Uncertain significance for IQGAP1-related condition. Last evaluated: 2025-05-17. Review status: criteria provided, single submitter. Criteria: ACMG Guidelines, 2015. Collection method: clinical testing. Allele origin: germline.
Comment: The IQGAP1 c.4507_4508delinsAA variant is predicted to result in an in-frame deletion and insertion. To our knowledge, this variant has not been reported in the literature or in a large population database (gnomAD), indicating this variant is rare. At this time, the clinical significance of this variant is uncertain due to the absence of conclusive functional and genetic evidence.

NM_003870.4(IQGAP1):c.4507_4508delinsAA (p.Leu1503Lys)

Gene: IQGAP1 (IQ motif containing GTPase activating protein 1; plus strand). Cytogenetic location: 15q26.1.
Variant type: Indel.
Coding change: c.4507_4508delinsAA on transcript NM_003870.4 (MANE Select); coding-DNA positions 4507 to 4508, CT replaced by AA.
Protein change: p.Leu1503Lys; replaces leucine 1503 with lysine.
Molecular consequence: missense variant.
Genome position (GRCh38, 1-based): chr15:90,492,590-90,492,591, CT replaced by AA. VCF-style: chr15-90492590-CT-AA. GRCh37 (hg19) VCF-style: chr15-91035822-CT-AA.
Other names: short protein forms L1503K.
Identifiers: ClinVar variation 4998844 (VCV004998844.1).
Genomic context (GRCh38, chr15:90,492,590, plus strand): 5'-ATAATTATGTCTCAGGATATTCGGAATCAGCGGAGGTACCGACAGAGGAGAAAGGCCGAA[CT>AA]AGTGAAACTGCAACAGACATACGCTGCTCTGAACTCTAAGGCCACCTTTTATGGGGAGCA-3'
Protein context (NP_003861.1, residues 1493-1513): RRYRQRRKAE[Leu1503Lys]VKLQQTYAAL